The following is an entry in ClinVar:

NM_197968.4(ZMYM2):c.3000T>G (p.Tyr1000Ter)

Gene: ZMYM2 (zinc finger MYM-type containing 2; plus strand). Cytogenetic location: 13q12.11.
Variant type: single nucleotide variant.
Coding change: c.3000T>G on transcript NM_197968.4 (MANE Select); coding-DNA position 3000, T replaced by G.
Protein change: p.Tyr1000Ter; replaces tyrosine 1000 with a stop codon.
Molecular consequence: nonsense. On other transcripts: non-coding transcript variant (1).
Genome position (GRCh38, 1-based): chr13:20,062,934, T>G. VCF-style: chr13-20062934-T-G. GRCh37 (hg19) VCF-style: chr13-20637074-T-G.
Other names: c.3000T>G, p.Tyr1000Ter (NM_001190964.4, NM_001190965.4, NM_001353157.2 and 5 more transcripts); c.2805T>G, p.Tyr935Ter (NM_001353161.3); c.2739T>G, p.Tyr913Ter (NM_001353163.2); short protein forms Y935*, Y1000*, Y913*.
Identifiers: ClinVar variation 4999518 (VCV004999518.1).

ClinVar aggregate classification (germline): Likely pathogenic (1 of 4 stars; one submission).

Conditions:
ZMYM2-related disorder. Also called: ZMYM2-related condition.

Submission:

PreventionGenetics, part of Exact Sciences
Classification: Likely pathogenic for ZMYM2-related condition. Last evaluated: 2025-04-09. Review status: criteria provided, single submitter. Criteria: ACMG Guidelines, 2015. Collection method: clinical testing. Allele origin: germline.
Comment: The ZMYM2 c.3000T>G variant is predicted to result in premature protein termination (p.Tyr1000*). To our knowledge, this variant has not been reported in the literature or in a large population database (gnomAD), indicating this variant is rare. Nonsense variants in ZMYM2 are expected to be pathogenic. This variant is interpreted as likely pathogenic.